The following is an entry in ClinVar:

NM_014946.4(SPAST):c.1815dup (p.Arg606fs)

Gene: SPAST (spastin; plus strand). Cytogenetic location: 2p22.3.
Variant type: Duplication.
Coding change: c.1815dup on transcript NM_014946.4 (MANE Select); coding-DNA position 1815, one base duplicated (A; older notation c.1815dupA).
Protein change: p.Arg606fs; shifts the reading frame from arginine 606.
Molecular consequence: frameshift variant. On other transcripts: 3 prime UTR variant (1).
Genome position (GRCh38, 1-based): chr2:32,154,460, A duplicated. VCF-style (leftmost placement, unchanged base first): chr2-32154459-T-TA. GRCh37 (hg19) VCF-style: chr2-32379528-T-TA.
Other names: c.1815dupA (NM_014946.3); c.1812dup, p.Arg605fs (NM_001363823.2); c.1716dup, p.Arg573fs (NM_001363875.2); c.*88dup (NM_001377959.1); c.1719dup, p.Arg574fs (NM_199436.2); c.1815dup (NM_014946.3); short protein forms R606fs, R574fs, R573fs, R605fs.
Identifiers: ClinVar variation 420116 (VCV000420116.3), dbSNP rs1553321261, ClinGen allele CA16617532.

ClinVar aggregate classification (germline): Likely pathogenic. Review status: criteria provided, multiple submitters, no conflicts (2 of 4 stars). 2 submissions from 2 submitters: Likely pathogenic (2). Last evaluated 2025-06-03.

Conditions:
Hereditary spastic paraplegia 4. Also called: Spastic paraplegia 4, autosomal dominant; Spastic Paraplegia 4; Familial spastic paraplegia autosomal dominant 2. Identifiers: Orphanet 100985, MedGen C1866855, MONDO:0008438, OMIM 182601.

Submissions (2):

Genomics, Clalit Research Institute, Clalit Health Care
Classification: Likely pathogenic for Hereditary spastic paraplegia 4. Last evaluated: 2025-06-03. Review status: criteria provided, single submitter. Criteria: ACMG Guidelines, 2015. Collection method: clinical testing. Allele origin: germline. Inheritance: Autosomal dominant inheritance. Affected: yes.
Comment: Frequency: The variant is absent from the gnomAD reference population dataset. Frequency among cases: This variant was previously described in an individual with hereditary spastic paraplegia. Variant type: Null variant (frameshift indel) in a gene where LOF is a known mechanism of disease. Truncated region is critical to protein function. Predicted to escape NMD.

GeneDx
Classification: Likely pathogenic. Last evaluated: 2025-05-13. Review status: criteria provided, single submitter. Criteria: GeneDx Variant Classification Process June 2021. Collection method: clinical testing. Allele origin: germline. Affected: yes.
Comment: Frameshift variant predicted to result in abnormal protein length as the last 11 amino acid(s) are replaced with 24 different amino acid(s), and other similar variants have been reported in HGMD; Not observed at significant frequency in large population cohorts (gnomAD); Has not been previously published as pathogenic or benign to our knowledge; This variant is associated with the following publications: (PMID: 20214791)